The following is an entry in ClinVar:

ClinVar aggregate classification (germline): Pathogenic (3 of 4 stars; one submission).

Conditions:
Hereditary factor IX deficiency disease (HEMB). Also called: F9 DEFICIENCY; FACTOR IX DEFICIENCY; PLASMA THROMBOPLASTIN COMPONENT DEFICIENCY; Hemophilia B; Christmas Disease. Identifiers: Orphanet 98879, MedGen C0008533, MeSH D002836, MONDO:0010604, OMIM 306900.

Submission:

ClinGen Coagulation Factor Deficiency Variant Curation Expert Panel, Clingen
Classification: Pathogenic for Hereditary factor IX deficiency disease. Last evaluated: 2024-12-06. Review status: reviewed by expert panel. Criteria: ClinGen CoagFactor ACMG Specifications F9 V1.0.0. Collection method: curation. Allele origin: germline. Inheritance: X-linked inheritance.
Comment: The NM_000133.4(F9):c.969_975del variant deletes 7bp in exon 8 of the F9 gene, causing a frameshift and premature termination of translation. NMD is not predicted, but the truncation of the peptidase S1 domain is expected to be detrimental to protein function (PVS1). The variant is absent from gnomAD v2.1 (PM2_Supporting). The variant is reported in one individual with severe Hemophilia B in the literature (PMID: 26612714). In summary, this variant meets criteria to be classified as pathogenic. ACMG/AMP criteria applied, as specified by the Coagulation Factor Deficiency VCEP for F9: PVS1, PS4_Supporting, PM2_Supporting.

NM_000133.4(F9):c.969_975del (p.Pro324fs)

Gene: F9 (coagulation factor IX; plus strand). Cytogenetic location: Xq27.1.
Variant type: Deletion.
Coding change: c.969_975del on transcript NM_000133.4 (MANE Select); coding-DNA positions 969 to 975, 7 bases deleted (ACCCTTA; older notation c.969_975delACCCTTA).
Protein change: p.Pro324fs; shifts the reading frame from proline 324.
Molecular consequence: frameshift variant.
Genome position (GRCh38, 1-based): chrX:139,561,654-139,561,660, ACCCTTA deleted; deleting any 7 consecutive bases within chrX:139,561,653-139,561,660 gives the same sequence; the c. name uses the placement nearest the transcript's 3' end. VCF-style (leftmost placement, unchanged base first): chrX-139561652-GAACCCTT-G. GRCh37 (hg19) VCF-style: chrX-138643811-GAACCCTT-G.
Other names: NM_001313913.2:c.854_860del; c.855_861del, p.Pro286fs (NM_001313913.2); short protein forms P286fs, P324fs.
Identifiers: ClinVar variation 3390364 (VCV003390364.1).